The following is an entry in ClinVar:

NM_020717.5(SHROOM4):c.2192A>G (p.Glu731Gly)

Gene: SHROOM4 (shroom family member 4; minus strand). Cytogenetic location: Xp11.22.
Variant type: single nucleotide variant.
Coding change: c.2192A>G on transcript NM_020717.5 (MANE Select); coding-DNA position 2192, A replaced by G.
Protein change: p.Glu731Gly; replaces glutamic acid 731 with glycine.
Molecular consequence: missense variant. On other transcripts: non-coding transcript variant (4).
Genome position (GRCh38, 1-based): chrX:50,633,881, T>C on the plus strand (A>G on the coding strand, the complement: SHROOM4 is on the minus strand). VCF-style: chrX-50633881-T-C. GRCh37 (hg19) VCF-style: chrX-50376881-T-C.
Other names: short protein forms E731G.
Identifiers: ClinVar variation 197325 (VCV000197325.16), dbSNP rs144727288, ClinGen allele CA202821.

ClinVar aggregate classification (germline): Benign/Likely benign. Review status: criteria provided, multiple submitters, no conflicts (2 of 4 stars). 7 submissions from 7 submitters: Benign (2); Likely benign (3). 2 of the submissions do not count toward it. Last evaluated 2024-10-25.

Conditions:
Intellectual developmental disorder, X-linked, syndromic, Stocco dos Santos type. Also called: STOCCO DOS SANTOS X-LINKED MENTAL RETARDATION SYNDROME; Stocco dos Santos syndrome; X-linked intellectual disability, Stocco dos Santos type. Identifiers: Orphanet 85288, MedGen C1845530, MONDO:0010325, OMIM 300434.

Allele frequency attached by ClinVar (database versions not stated): ExAC 0.00102; gnomAD exomes 0.00136 and 0.00231; ESP Exome Variant Server 0.00161; gnomAD 0.00171 and 0.00224; TOPMed 0.00223.
gnomAD v4.1: 2,735 of 1,210,477 alleles (0.23%); highest among the groups gnomAD compares: Non-Finnish European, 0.27%; 6 homozygotes.

Submissions (7):

Blueprint Genetics
Classification: Likely benign. Last evaluated: 2024-10-25. Review status: criteria provided, single submitter. Criteria: ACMG Guidelines, 2015. Collection method: clinical testing. Allele origin: germline.

GeneDx
Classification: Likely benign. Last evaluated: 2019-08-13. Review status: criteria provided, single submitter. Criteria: GeneDx Variant Classification Process June 2021. Collection method: clinical testing. Allele origin: germline. Affected: yes.
Comment: Has not been previously published as pathogenic or benign to our knowledge

Genetic Services Laboratory, University of Chicago
Classification: Benign. Last evaluated: 2016-08-22. Review status: criteria provided, single submitter. Criteria: ACMG Guidelines, 2015. Collection method: clinical testing. Allele origin: germline. Affected: no.

Ambry Genetics
Classification: Likely benign. Last evaluated: 2016-02-12. Review status: criteria provided, single submitter. Criteria: Ambry Variant Classification Scheme 2023. Collection method: clinical testing. Allele origin: germline.

Eurofins Ntd Llc (ga)
Classification: Benign. Last evaluated: 2015-06-02. Review status: criteria provided, single submitter. Criteria: EGL Classification Definitions 2015. Collection method: clinical testing. Allele origin: germline. Observed: 2 variant alleles, 2 hemizygotes.

Clinical Genetics DNA and cytogenetics Diagnostics Lab, Erasmus MC, Erasmus Medical Center
Classification: Likely benign. Review status: no assertion criteria provided. Collection method: clinical testing. Allele origin: germline. Affected: yes. Study: VKGL Data-share Consensus. Not counted in ClinVar's aggregate classification.

Diagnostic Laboratory, Department of Genetics, University Medical Center Groningen
Classification: Likely benign for Intellectual developmental disorder, X-linked, syndromic, Stocco dos Santos type. Review status: no assertion criteria provided. Collection method: clinical testing. Allele origin: germline. Affected: yes. Study: VKGL Data-share Consensus. Not counted in ClinVar's aggregate classification.